The following is an entry in ClinVar:

NM_015189.3(EXOC6B):c.859C>T (p.Gln287Ter)

Gene: EXOC6B (exocyst complex component 6B; minus strand). Cytogenetic location: 2p13.2.
Variant type: single nucleotide variant.
Coding change: c.859C>T on transcript NM_015189.3 (MANE Select); coding-DNA position 859, C replaced by T.
Protein change: p.Gln287Ter; replaces glutamine 287 with a stop codon.
Molecular consequence: nonsense. On other transcripts: non-coding transcript variant (2).
Genome position (GRCh38, 1-based): chr2:72,559,509, G>A on the plus strand (C>T on the coding strand, the complement: EXOC6B is on the minus strand). VCF-style: chr2-72559509-G-A. GRCh37 (hg19) VCF-style: chr2-72786638-G-A.
Other names: c.859C>T, p.Gln287Ter (NM_001321729.2, NM_001321730.2, NM_001321731.2 and 1 more transcripts); c.520C>T, p.Gln174Ter (NM_001321734.2); short protein forms Q287*, Q174*.
Identifiers: ClinVar variation 523843 (VCV000523843.3), dbSNP rs1195320854, ClinGen allele CA347431400.

ClinVar aggregate classification (germline): Pathogenic/Likely pathogenic. Review status: criteria provided, multiple submitters, no conflicts (2 of 4 stars). 2 submissions from 2 submitters: Pathogenic (1); Likely pathogenic (1). Last evaluated 2025-09-19.

Allele frequency attached by ClinVar (database versions not stated): gnomAD exomes below 0.00001.
gnomAD v4.1: 2 of 1,612,238 alleles (0.00012%); highest among the groups gnomAD compares: Non-Finnish European, 0.00017%; no homozygotes.

Submissions (2):

Labcorp Genetics (formerly Invitae), Labcorp
Classification: Pathogenic. Last evaluated: 2025-09-19. Review status: criteria provided, single submitter. Criteria: Invitae Variant Classification Sherloc (09022015). Collection method: clinical testing. Allele origin: germline.
Comment: This sequence change creates a premature translational stop signal (p.Gln287*) in the EXOC6B gene. It is expected to result in an absent or disrupted protein product. Loss-of-function variants in EXOC6B are known to be pathogenic (PMID: 26669664, 36150098). The frequency data for this variant in the population databases is considered unreliable, as metrics indicate poor data quality at this position in the gnomAD database. This variant has not been reported in the literature in individuals affected with EXOC6B-related conditions. ClinVar contains an entry for this variant (Variation ID: 523843). For these reasons, this variant has been classified as Pathogenic.

GeneDx
Classification: Likely pathogenic. Last evaluated: 2018-03-28. Review status: criteria provided, single submitter. Criteria: GeneDx Variant Classification (06012015). Collection method: clinical testing. Allele origin: germline. Affected: yes.
Comment: The Q287X variant in the EXOC6B gene has not been reported previously as a pathogenic variant nor as a benign variant, to our knowledge. This variant is predicted to cause loss of normal protein function either through protein truncation or nonsense-mediated mRNA decay. The Q287X variant is not observed in large population cohorts (Lek et al., 2016). We interpret Q287X as a likely pathogenic variant.

Literature cited by the submitters: PubMed 26669664 (cited by Labcorp Genetics (formerly Invitae), Labcorp); PubMed 36150098 (cited by Labcorp Genetics (formerly Invitae), Labcorp).